The following is an entry in ClinVar:

NM_001330360.2(POLA1):c.3634A>G (p.Ile1212Val)

Gene: POLA1 (DNA polymerase alpha 1, catalytic subunit; plus strand). Cytogenetic location: Xp22.11.
Variant type: single nucleotide variant.
Coding change: c.3634A>G on transcript NM_001330360.2 (MANE Select); coding-DNA position 3634, A replaced by G.
Protein change: p.Ile1212Val; replaces isoleucine 1212 with valine.
Molecular consequence: missense variant. On other transcripts: non-coding transcript variant (2).
Genome position (GRCh38, 1-based): chrX:24,826,499, A>G. VCF-style: chrX-24826499-A-G. GRCh37 (hg19) VCF-style: chrX-24844616-A-G.
Other names: c.3559A>G, p.Ile1187Val (NM_001378303.1); c.3616A>G, p.Ile1206Val (NM_016937.4); short protein forms I1212V, I1187V, I1206V.
Identifiers: ClinVar variation 2982758 (VCV002982758.3), dbSNP rs2518705926, ClinGen allele CA412528860.

ClinVar aggregate classification (germline): Uncertain significance (1 of 4 stars; one submission).

Allele frequency attached by ClinVar (database versions not stated): gnomAD exomes below 0.00001.
gnomAD v4.1: 4 of 1,204,479 alleles (0.00033%); highest among the groups gnomAD compares: African/African-American, 0.0017%; no homozygotes.

Submission:

Labcorp Genetics (formerly Invitae), Labcorp
Classification: Uncertain significance. Last evaluated: 2023-02-03. Review status: criteria provided, single submitter. Criteria: Invitae Variant Classification Sherloc (09022015). Collection method: clinical testing. Allele origin: germline.
Comment: This sequence change replaces isoleucine, which is neutral and non-polar, with valine, which is neutral and non-polar, at codon 1206 of the POLA1 protein (p.Ile1206Val). This variant is not present in population databases (gnomAD no frequency). This variant has not been reported in the literature in individuals affected with POLA1-related conditions. In summary, the available evidence is currently insufficient to determine the role of this variant in disease. Therefore, it has been classified as a Variant of Uncertain Significance. Advanced modeling of protein sequence and biophysical properties (such as structural, functional, and spatial information, amino acid conservation, physicochemical variation, residue mobility, and thermodynamic stability) performed at Invitae indicates that this missense variant is not expected to disrupt POLA1 protein function.